The following is an entry in ClinVar:

NM_003172.4(SURF1):c.801G>A (p.Leu267=)

Gene: SURF1 (SURF1 cytochrome c oxidase assembly factor; minus strand). Cytogenetic location: 9q34.2.
Variant type: single nucleotide variant.
Coding change: c.801G>A on transcript NM_003172.4 (MANE Select); coding-DNA position 801, G replaced by A.
Protein change: p.Leu267=; no amino-acid change (leucine 267 retained).
Molecular consequence: synonymous variant.
Genome position (GRCh38, 1-based): chr9:133,352,093, C>T on the plus strand (G>A on the coding strand, the complement: SURF1 is on the minus strand). VCF-style: chr9-133352093-C-T. GRCh37 (hg19) VCF-style: chr9-136218948-C-T.
Other names: c.474G>A, p.Leu158= (NM_001280787.1).
Identifiers: ClinVar variation 912548 (VCV000912548.29), dbSNP rs782120692, ClinGen allele CA200832054.
Genomic context (GRCh38, chr9:133,352,093, plus strand): 5'-GGAAGCCAGAGGGCCGCTGGGGACTCACCAGGTCACGATGTACTGCAGATGCTCGTTCCT[C>T]AGAGTAACTCTGGTTTGCCCTCCAATGGGTCCTCCAGGGACTGTGCTCTCTGTGGAGACA-3'
Protein context (NP_003163.1, residues 257-277): GPIGGQTRVT[Leu267=]RNEHLQYIVT

ClinVar aggregate classification (germline): Conflicting classifications of pathogenicity. Review status: criteria provided, conflicting classifications (1 of 4 stars). 3 submissions from 3 submitters: Uncertain significance (1); Likely benign (2). Last evaluated 2026-01-06.

Conditions:
Leigh syndrome (NULS). Also called: Leigh Syndrome (mtDNA deletion); Leigh's syndrome; Subacute necrotizing encephalopathy; Necrotizing encephalopathy infantile subacute of Leigh; Leigh Disease; LEIGH SYNDROME, NUCLEAR. Identifiers: Orphanet 506, MedGen C2931891, MONDO:0009723, OMIM 256000.

Allele frequency attached by ClinVar (database versions not stated): TOPMed below 0.00001; ExAC 0.00001; gnomAD 0.00001; gnomAD exomes 0.00001.

Submissions (3):

Labcorp Genetics (formerly Invitae), Labcorp
Classification: Likely benign for Leigh syndrome. Last evaluated: 2026-01-06. Review status: criteria provided, single submitter. Criteria: Invitae Variant Classification Sherloc (09022015). Collection method: clinical testing. Allele origin: germline.

CeGaT Center for Human Genetics Tuebingen
Classification: Likely benign. Last evaluated: 2022-03-01. Review status: criteria provided, single submitter. Criteria: CeGaT Center For Human Genetics Tuebingen Variant Classification Criteria Version 2. Collection method: clinical testing. Allele origin: germline. Affected: yes. Observed: 1 variant allele.
Comment: SURF1: BP4, BP7

Illumina Laboratory Services, Illumina
Classification: Uncertain significance for Leigh syndrome. Last evaluated: 2018-02-16. Review status: criteria provided, single submitter. Criteria: ICSL Variant Classification Criteria 13 December 2019. Collection method: clinical testing. Allele origin: germline.